The following is an entry in ClinVar:

NM_022051.2(EGLN1):c.-1706T>C

Gene: EGLN1 (egl-9 family hypoxia inducible factor 1; minus strand). Cytogenetic location: 1q42.2.
Variant type: single nucleotide variant.
Coding change: c.-1706T>C on transcript NM_022051.2; 1706 bases upstream of the start codon, T replaced by C.
Genome position (GRCh38, 1-based): chr1:231,423,594, A>G on the plus strand (T>C on the coding strand, the complement: EGLN1 is on the minus strand). VCF-style: chr1-231423594-A-G. GRCh37 (hg19) VCF-style: chr1-231559340-A-G.
Identifiers: ClinVar variation 296227 (VCV000296227.8), dbSNP rs7544596, ClinGen allele CA10609353.

ClinVar aggregate classification (germline): Benign. Review status: criteria provided, multiple submitters, no conflicts (2 of 4 stars). 2 submissions from 2 submitters: Benign (2). Last evaluated 2018-01-13.

Conditions:
Erythrocytosis, familial, 3 (ECYT3). Identifiers: Orphanet 247511, MedGen C1853286, MONDO:0012353, OMIM 609820.

Allele frequency attached by ClinVar (database versions not stated): 1000 Genomes Project 0.09385; gnomAD 0.12068 and 0.12544; gnomAD exomes 0.50000; 1000 Genomes Project 30x 0.09853; TOPMed 0.13178.

Submissions (2):

Illumina Laboratory Services, Illumina
Classification: Benign for Erythrocytosis, familial, 3. Last evaluated: 2018-01-13. Review status: criteria provided, single submitter. Criteria: ICSL Variant Classification Criteria 13 December 2019. Collection method: clinical testing. Allele origin: germline.
Comment: This variant was observed in the ICSL laboratory as part of a predisposition screen in an ostensibly healthy population. It had not been previously curated by ICSL or reported in the Human Gene Mutation Database (HGMD: prior to June 1st, 2018), and was therefore a candidate for classification through an automated scoring system. Utilizing variant allele frequency, disease prevalence and penetrance estimates, and inheritance mode, an automated score was calculated to assess if this variant is too frequent to cause the disease. Based on the score and internal cut-off values, a variant classified as benign is not then subjected to further curation. The score for this variant resulted in a classification of benign for this disease.

Breakthrough Genomics
Classification: Benign. Review status: criteria provided, single submitter. Criteria: ACMG Guidelines, 2015. Collection method: not provided. Allele origin: germline. Inheritance: Autosomal dominant inheritance. Affected: yes.